The following is an entry in ClinVar:

ClinVar aggregate classification (germline): Conflicting classifications of pathogenicity. Review status: criteria provided, conflicting classifications (1 of 4 stars). 2 submissions from 2 submitters: Uncertain significance (1); Likely benign (1). Last evaluated 2025-02-16.

Submissions (2):

Laboratory of Genetics, Children's Clinical University Hospital Latvia
Classification: Likely benign. Last evaluated: 2025-02-16. Review status: criteria provided, single submitter. Criteria: ACMG Guidelines, 2015. Collection method: clinical testing. Allele origin: germline. Affected: yes.

Labcorp Genetics (formerly Invitae), Labcorp
Classification: Uncertain significance. Last evaluated: 2024-03-27. Review status: criteria provided, single submitter. Criteria: Invitae Variant Classification Sherloc (09022015). Collection method: clinical testing. Allele origin: germline.
Comment: This sequence change replaces alanine, which is neutral and non-polar, with serine, which is neutral and polar, at codon 442 of the RP1 protein (p.Ala442Ser). This variant is not present in population databases (gnomAD no frequency). This variant has not been reported in the literature in individuals affected with RP1-related conditions. An algorithm developed to predict the effect of missense changes on protein structure and function (PolyPhen-2) suggests that this variant is likely to be tolerated. In summary, the available evidence is currently insufficient to determine the role of this variant in disease. Therefore, it has been classified as a Variant of Uncertain Significance.

NM_006269.2(RP1):c.1324G>T (p.Ala442Ser)

Gene: RP1 (RP1 axonemal microtubule associated; plus strand). Cytogenetic location: 8q12.1.
Variant type: single nucleotide variant.
Coding change: c.1324G>T on transcript NM_006269.2 (MANE Select); coding-DNA position 1324, G replaced by T.
Protein change: p.Ala442Ser; replaces alanine 442 with serine.
Molecular consequence: missense variant. On other transcripts: intron variant (1).
Genome position (GRCh38, 1-based): chr8:54,625,206, G>T. VCF-style: chr8-54625206-G-T. GRCh37 (hg19) VCF-style: chr8-55537766-G-T.
Other names: c.787+2918G>T (NM_001375654.1); short protein forms A442S.
Identifiers: ClinVar variation 3692985 (VCV003692985.3).